The following is an entry in ClinVar:

ClinVar aggregate classification (germline): Uncertain significance. Review status: criteria provided, multiple submitters, no conflicts (2 of 4 stars). 2 submissions from 2 submitters: Uncertain significance (2). Last evaluated 2025-10-13.

Conditions:
Glycogen storage disease, type II (IOPD). Also called: Glucosidase acid-1,4-alpha deficiency; CARDIOMEGALIA GLYCOGENICA DIFFUSA; GLYCOGENOSIS, GENERALIZED, CARDIAC FORM; GSD II; Glycogen storage disease type 2; Acid maltase deficiency disease. Identifiers: Orphanet 365, MedGen C0017921, MONDO:0009290, OMIM 232300.

Submissions (2):

Mayo Clinic Laboratories, Mayo Clinic
Classification: Uncertain significance. Last evaluated: 2025-10-13. Review status: criteria provided, single submitter. Criteria: ACMG Guidelines, 2015. Collection method: clinical testing. Allele origin: germline. Observed: 1 variant allele.
Comment: PP3_strong, PM2_supporting

Labcorp Genetics (formerly Invitae), Labcorp
Classification: Uncertain significance for Glycogen storage disease, type II. Last evaluated: 2021-08-04. Review status: criteria provided, single submitter. Criteria: Invitae Variant Classification Sherloc (09022015). Collection method: clinical testing. Allele origin: germline.
Comment: In summary, the available evidence is currently insufficient to determine the role of this variant in disease. Therefore, it has been classified as a Variant of Uncertain Significance. Algorithms developed to predict the effect of sequence changes on RNA splicing suggest that this variant may create or strengthen a splice site. Advanced modeling of protein sequence and biophysical properties (such as structural, functional, and spatial information, amino acid conservation, physicochemical variation, residue mobility, and thermodynamic stability) performed at Invitae indicates that this missense variant is expected to disrupt GAA protein function. This variant has not been reported in the literature in individuals affected with GAA-related conditions. This variant is not present in population databases (ExAC no frequency). This sequence change replaces glycine with tryptophan at codon 747 of the GAA protein (p.Gly747Trp). The glycine residue is highly conserved and there is a large physicochemical difference between glycine and tryptophan.

NM_000152.5(GAA):c.2239G>T (p.Gly747Trp)

Gene: GAA (alpha glucosidase; plus strand). Cytogenetic location: 17q25.3.
Variant type: single nucleotide variant.
Coding change: c.2239G>T on transcript NM_000152.5 (MANE Select); coding-DNA position 2239, G replaced by T.
Protein change: p.Gly747Trp; replaces glycine 747 with tryptophan.
Molecular consequence: missense variant.
Genome position (GRCh38, 1-based): chr17:80,117,017, G>T. VCF-style: chr17-80117017-G-T. GRCh37 (hg19) VCF-style: chr17-78090816-G-T.
Other names: p.Gly747Trp; c.2239G>T, p.Gly747Trp (NM_001079803.3, NM_001079804.3); short protein forms G747W.
Identifiers: ClinVar variation 1524086 (VCV001524086.7), dbSNP rs778981088, ClinGen allele CA294856500.